The following is an entry in ClinVar:

NM_024809.5(TCTN2):c.-95G>A

Gene: TCTN2 (tectonic family member 2; plus strand). Cytogenetic location: 12q24.31.
Variant type: single nucleotide variant.
Coding change: c.-95G>A on transcript NM_024809.5 (MANE Select); 95 bases upstream of the start codon, G replaced by A.
Molecular consequence: 5 prime UTR variant.
Genome position (GRCh38, 1-based): chr12:123,671,146, G>A. VCF-style: chr12-123671146-G-A. GRCh37 (hg19) VCF-style: chr12-124155693-G-A.
Other names: c.-95G>A (NM_001143850.3).
Identifiers: ClinVar variation 307541 (VCV000307541.7), dbSNP rs7980060, ClinGen allele CA10636700.

ClinVar aggregate classification (germline): Benign. Review status: criteria provided, multiple submitters, no conflicts (2 of 4 stars). 4 submissions from 3 submitters: Benign (4). Last evaluated 2018-06-30.

Conditions:
Joubert syndrome 24 (JBTS24). Identifiers: Orphanet 475, MedGen C4084841, MONDO:0014724, OMIM 616654.
Meckel syndrome, type 8. Identifiers: Orphanet 564, MedGen C3836857, MONDO:0013482, OMIM 613885.

Allele frequency attached by ClinVar (database versions not stated): gnomAD 0.02529 and 0.02722; TOPMed 0.02852; 1000 Genomes Project 0.02875; 1000 Genomes Project 30x 0.02983.
gnomAD v4.1: 6,710 of 1,228,970 alleles (0.55%); highest among the groups gnomAD compares: African/African-American, 9%; 279 homozygotes.

Submissions (4):

GeneDx
Classification: Benign. Last evaluated: 2018-06-30. Review status: criteria provided, single submitter. Criteria: GeneDx Variant Classification Process June 2021. Collection method: clinical testing. Allele origin: germline. Affected: yes.

Illumina Laboratory Services, Illumina
Classification: Benign for Meckel syndrome, type 8. Last evaluated: 2018-01-12. Review status: criteria provided, single submitter. Criteria: ICSL Variant Classification Criteria 13 December 2019. Collection method: clinical testing. Allele origin: germline.
Comment: This variant was observed in the ICSL laboratory as part of a predisposition screen in an ostensibly healthy population. It had not been previously curated by ICSL or reported in the Human Gene Mutation Database (HGMD: prior to June 1st, 2018), and was therefore a candidate for classification through an automated scoring system. Utilizing variant allele frequency, disease prevalence and penetrance estimates, and inheritance mode, an automated score was calculated to assess if this variant is too frequent to cause the disease. Based on the score and internal cut-off values, a variant classified as benign is not then subjected to further curation. The score for this variant resulted in a classification of benign for this disease.

Illumina Laboratory Services, Illumina
Classification: Benign for Joubert syndrome 24. Last evaluated: 2018-01-12. Review status: criteria provided, single submitter. Criteria: ICSL Variant Classification Criteria 13 December 2019. Collection method: clinical testing. Allele origin: germline.
Comment: the same text as in the submission from Illumina Laboratory Services, Illumina above.

Breakthrough Genomics
Classification: Benign. Review status: criteria provided, single submitter. Criteria: ACMG Guidelines, 2015. Collection method: not provided. Allele origin: germline. Inheritance: Autosomal recessive inheritance. Affected: yes.